The following is an entry in ClinVar:

ClinVar aggregate classification (germline): Uncertain significance (1 of 4 stars; one submission).

Allele frequency attached by ClinVar (database versions not stated): gnomAD exomes below 0.00001.
gnomAD v4.1: 2 of 1,614,206 alleles (0.00012%); highest among the groups gnomAD compares: African/African-American, 0.0013%; no homozygotes.

Submission:

Labcorp Genetics (formerly Invitae), Labcorp
Classification: Uncertain significance. Last evaluated: 2023-02-13. Review status: criteria provided, single submitter. Criteria: Invitae Variant Classification Sherloc (09022015). Collection method: clinical testing. Allele origin: germline.
Comment: This sequence change replaces asparagine, which is neutral and polar, with serine, which is neutral and polar, at codon 203 of the DIP2C protein (p.Asn203Ser). This variant is not present in population databases (gnomAD no frequency). This variant has not been reported in the literature in individuals affected with DIP2C-related conditions. Algorithms developed to predict the effect of missense changes on protein structure and function (SIFT, PolyPhen-2, Align-GVGD) all suggest that this variant is likely to be tolerated. In summary, the available evidence is currently insufficient to determine the role of this variant in disease. Therefore, it has been classified as a Variant of Uncertain Significance.

NM_014974.3(DIP2C):c.608A>G (p.Asn203Ser)

Gene: DIP2C (DIP2 acetate--CoA ligase C (putative); minus strand). Cytogenetic location: 10p15.3.
Variant type: single nucleotide variant.
Coding change: c.608A>G on transcript NM_014974.3 (MANE Select); coding-DNA position 608, A replaced by G.
Protein change: p.Asn203Ser; replaces asparagine 203 with serine.
Molecular consequence: missense variant.
Genome position (GRCh38, 1-based): chr10:419,196, T>C on the plus strand (A>G on the coding strand, the complement: DIP2C is on the minus strand). VCF-style: chr10-419196-T-C. GRCh37 (hg19) VCF-style: chr10-465136-T-C.
Other names: short protein forms N203S.
Identifiers: ClinVar variation 2836780 (VCV002836780.3), dbSNP rs2540924107, ClinGen allele CA375834001.